The following is an entry in ClinVar:

ClinVar aggregate classification (germline): Pathogenic. Review status: reviewed by expert panel (3 of 4 stars). 16 submissions from 15 submitters: Pathogenic (1). 15 of the submissions do not count toward it. Last evaluated 2025-01-21.

Conditions:
Glycogen storage disease, type II (IOPD). Also called: Glycogen storage disease type 2; Acid maltase deficiency disease; Aglucosidase alfa; Deficiency of alpha-glucosidase; Deficiency of lysosomal alpha-glucosidase; POMPE DISEASE, INFANTILE-ONSET. Identifiers: Orphanet 365, MedGen C0017921, MONDO:0009290, OMIM 232300.
Abnormality of metabolism/homeostasis. Identifiers: MedGen C4021768, HP:0001939.
Cardiovascular phenotype. Identifiers: MedGen CN230736.

Allele frequency attached by ClinVar (database versions not stated): gnomAD 0.00001 and 0.00002; gnomAD exomes 0.00001 and 0.00002; TOPMed 0.00001; ExAC 0.00004.
gnomAD v4.1: 20 of 1,611,154 alleles (0.0012%); highest among the groups gnomAD compares: South Asian, 0.019%; no homozygotes.

Submissions 1 to 9 of 16:

ClinGen Lysosomal Storage Disorder Variant Curation Expert Panel
Classification: Pathogenic for Glycogen storage disease, type II. Last evaluated: 2025-01-21. Review status: reviewed by expert panel. Criteria: clingen_lsd_acmg_specifications_v2-1. Collection method: curation. Allele origin: germline. Inheritance: Autosomal recessive inheritance.
Comment: The NM_000152.5:c.1856G>A variant in GAA is a missense variant predicted to cause substitution of serine by asparagine at amino acid 619 (p.Ser619Asn). At least five probands with symptoms consistent with late-onset-Pompe disease have been reported with this variant (PMIDs 24158270, 16838077, 25052852, 37087815,22194990), two with documented deficiency of GAA activity (PMIDs 24158270, 16838077) (PP4_Moderate). One of these probands is compound heterozygous for the variant and a variant classified as pathogenic by the ClinGen Lysosomal Diseases VCEP, c.-32-13T>G (PMID: 25052852). The other three patients are compound heterozygous with unknown phase for the variant and a variant classified as pathogenic by the ClinGen Lysosomal Diseases VCEP, c.-32-13T>G, c.1655T>C (p.Leu552Pro) or c.1927G>A (p.Gly643Arg), respectively (PMIDs: 37087815, 16838077, 24158270) (PM3_Strong). The highest population minor allele frequency in gnomAD v4.0 is 0.0001875 (17/90678 alleles) in South Asian population, which is lower than the ClinGen Lysosomal Diseases VCEP's threshold for PM2_Supporting (<0.001), meeting this criterion (PM2_Supporting). Expression of the variant in COS7 cells resulted in <5% GAA activity in cells and <5% in medium, and evidence of abnormal synthesis and processing on Western blot, indicating that this variant may impact protein function (PMID 16838077 and 19862843)(PS3_Moderate). The computational predictor REVEL gives a score 0.744 which is above the threshold of 0.7, evidence that correlates with impact to GAA function (PP3). There is a ClinVar entry for this variant (Variation ID: 370146; 2-star review status) with 10 submitters classifying the variant as pathogenic, and 2 as likely pathogenic. In summary, this variant meets the criteria to be classified as Pathogenic for Pompe disease. GAA-specific ACMG/AMP criteria met, based on the specifications of the ClinGen Lysosomal Diseases VCEP (Specifications Version 2.0): PM3_Strong, PS3_Moderate, PP4_Moderate, PP3, PM2_Supporting. (Classification approved by the ClinGen Lysosomal Diseases Variant Curation Expert Panel on January 21, 2025)

Genomenon, Inc
Classification: Likely pathogenic for Glycogen storage disease, type II. Last evaluated: 2026-07-01. Review status: criteria provided, single submitter. Criteria: Genomenon Sequence Variant Interpretation Standards - Updated. Collection method: curation. Allele origin: germline. Affected: yes. Not counted in ClinVar's aggregate classification.
Comment: GAA p.Ser619Asn (c.1856G>A) is a missense variant that changes the amino acid at codon 619 from Serine to Asparagine. This variant has been observed in at least one proband with a GAA-related disorder in the compound heterozygous and/or homozygous state (PMID:16838077;24158270;25998610). At least one functional study has demonstrated a substantial alteration in protein function relative to the wild-type (PMID:16838077;19862843). It is absent or not present at a significant frequency in gnomAD. In silico models predict that this variant is possibly or probably damaging. In conclusion, we classify GAA p.Ser619Asn (c.1856G>A) as a likely pathogenic variant.

Natera, Inc.
Classification: Pathogenic for Glycogen storage disease type II. Last evaluated: 2026-01-08. Review status: criteria provided, single submitter. Criteria: Natera Variant Classification Schema (03/2026). Collection method: clinical testing. Allele origin: germline. Not counted in ClinVar's aggregate classification.
Comment: The c.1856G>A variant in GAA is a missense variant predicted to cause substitution of serine to asparagine at amino acid 619. This variant is rare in the general population with a frequency below the threshold expected for the associated phenotype(s). This variant has been observed in one or more individuals affected with the associated recessive disease, as either homozygous or compound heterozygous with a second variant (PMID: 16838077, 24158270, 37087815). Given the available evidence, this variant is classified as Pathogenic.

Ambry Genetics
Classification: Pathogenic for Cardiovascular phenotype. Last evaluated: 2026-01-07. Review status: criteria provided, single submitter. Criteria: Ambry Variant Classification Scheme 2023. Collection method: clinical testing. Allele origin: germline. Not counted in ClinVar's aggregate classification.
Comment: The p.S619N pathogenic mutation (also known as c.1856G>A), located in coding exon 12 of the GAA gene, results from a G to A substitution at nucleotide position 1856. The serine at codon 619 is replaced by asparagine, an amino acid with highly similar properties. This variant has been identified in the homozygous state and/or in conjunction with other GAA variant(s) in individual(s) with features consistent with glycogen storage disease II (Kroos M et al. J Inherit Metab Dis, 2006 Aug;29:556-63; Gallardo E et al. PLoS One, 2011 Dec;6:e29061; Parenti G et al. Mol Ther, 2014 Nov;22:2004-12; Remiche G et al. J Neurol, 2014 Jan;261:83-97; Arslan A et al. Pediatr Int, 2016 Mar;58:241-243; Kishnani PS et al. Genet Med, 2019 Nov;21:2543-2551; Ficicioglu C et al. Int J Neonatal Screen, 2020 Nov;6; Sniderman King L et al. Mol Genet Metab, 2023 May;139:107565). This variant is considered to be rare based on population cohorts in the Genome Aggregation Database (gnomAD). This amino acid position is highly conserved in available vertebrate species. In addition, the in silico prediction for this alteration is inconclusive. Based on the supporting evidence, this variant is interpreted as a disease-causing mutation.

Labcorp Genetics (formerly Invitae), Labcorp
Classification: Pathogenic for Glycogen storage disease, type II. Last evaluated: 2025-12-14. Review status: criteria provided, single submitter. Criteria: Invitae Variant Classification Sherloc (09022015). Collection method: clinical testing. Allele origin: germline. Not counted in ClinVar's aggregate classification.
Comment: This sequence change replaces serine, which is neutral and polar, with asparagine, which is neutral and polar, at codon 619 of the GAA protein (p.Ser619Asn). This variant is present in population databases (rs753269119, gnomAD 0.01%). This missense change has been observed in individual(s) with Pompe disease (PMID: 16838077, 22990675, 24158270, 25998610, 26946079). ClinVar contains an entry for this variant (Variation ID: 370146). Invitae Evidence Modeling of protein sequence and biophysical properties (such as structural, functional, and spatial information, amino acid conservation, physicochemical variation, residue mobility, and thermodynamic stability) indicates that this missense variant is expected to disrupt GAA protein function with a positive predictive value of 95%. Experimental studies have shown that this missense change affects GAA function (PMID: 19862843). This variant disrupts the p.Ser619 amino acid residue in GAA. Other variant(s) that disrupt this residue have been determined to be pathogenic (PMID: 14643388, 21471980, 25213570, 27363342, 29124014). This suggests that this residue is clinically significant, and that variants that disrupt this residue are likely to be disease-causing. For these reasons, this variant has been classified as Pathogenic.

First Genomix Gene Laboratory, Genetic Diagnostics Department
Classification: Pathogenic for Glycogen storage disease, type II. Last evaluated: 2025-04-11. Review status: criteria provided, single submitter. Criteria: ACMG Guidelines, 2015. Collection method: clinical testing. Allele origin: germline. Inheritance: Autosomal recessive inheritance. Affected: no. Observed: 1 variant allele. Not counted in ClinVar's aggregate classification.

Revvity Omics, Revvity
Classification: Pathogenic. Last evaluated: 2025-01-27. Review status: criteria provided, single submitter. Criteria: ACMG Guidelines, 2015. Collection method: clinical testing. Allele origin: germline. Not counted in ClinVar's aggregate classification.

Fulgent Genetics
Classification: Pathogenic for Glycogen storage disease, type II. Last evaluated: 2024-06-12. Review status: criteria provided, single submitter. Criteria: ACMG Guidelines, 2015. Collection method: clinical testing. Allele origin: germline. Not counted in ClinVar's aggregate classification.

Kariminejad - Najmabadi Pathology & Genetics Center
Classification: Pathogenic for Glycogen storage disease, type II. Last evaluated: 2024-03-25. Review status: criteria provided, single submitter. Criteria: ACMG Guidelines, 2015. Collection method: clinical testing. Allele origin: germline. Inheritance: Autosomal recessive inheritance. Affected: yes. Not counted in ClinVar's aggregate classification.
Comment: PM1,PP2,PM2,PP3(Moderate),PM5,PS3(Supporting),PM3,PP5

NM_000152.5(GAA):c.1856G>A (p.Ser619Asn)

Gene: GAA (alpha glucosidase; plus strand). Cytogenetic location: 17q25.3.
Variant type: single nucleotide variant.
Coding change: c.1856G>A on transcript NM_000152.5 (MANE Select); coding-DNA position 1856, G replaced by A.
Protein change: p.Ser619Asn; replaces serine 619 with asparagine.
Molecular consequence: missense variant.
Genome position (GRCh38, 1-based): chr17:80,112,679, G>A. VCF-style: chr17-80112679-G-A. GRCh37 (hg19) VCF-style: chr17-78086478-G-A.
Other names: c.1856G>A, p.Ser619Asn (NM_001079803.3, NM_001079804.3); c.1856G>A (LRG_673t1); short protein forms S619N.
Identifiers: ClinVar variation 370146 (VCV000370146.84), dbSNP rs753269119, ClinGen allele CA8815500.
Genomic context (GRCh38, chr17:80,112,679, plus strand): 5'-CCCGCTCGACCTTTGCTGGCCACGGCCGATACGCCGGCCACTGGACGGGGGACGTGTGGA[G>A]CTCCTGGGAGCAGCTCGCCTCCTCCGTGCCAGGTGAGCTCCTACCAGGAGGGGCTGCTCA-3'
Protein context (NP_000143.2, residues 609-629): YAGHWTGDVW[Ser619Asn]SWEQLASSVP